The following is an entry in ClinVar:

NM_001374736.1(DST):c.17478T>G (p.Phe5826Leu)

Gene: DST (dystonin; minus strand). Cytogenetic location: 6p12.1.
Variant type: single nucleotide variant.
Coding change: c.17478T>G on transcript NM_001374736.1 (MANE Select); coding-DNA position 17478, T replaced by G.
Protein change: p.Phe5826Leu; replaces phenylalanine 5826 with leucine.
Molecular consequence: missense variant. On other transcripts: intron variant (2).
Genome position (GRCh38, 1-based): chr6:56,529,565, A>C on the plus strand (T>G on the coding strand, the complement: DST is on the minus strand). VCF-style: chr6-56529565-A-C. GRCh37 (hg19) VCF-style: chr6-56394363-A-C.
Other names: c.11121T>G, p.Phe3707Leu (NM_001144769.5); c.10707T>G, p.Phe3569Leu (NM_001144770.2); c.17478T>G, p.Phe5826Leu (NM_001374722.1); c.17505T>G, p.Phe5835Leu (NM_001374734.1); c.10587T>G, p.Phe3529Leu (NM_001386100.1, NM_183380.4); c.9609T>G, p.Phe3203Leu (NM_015548.5); c.10377+409T>G (NM_001374730.1); c.16635+409T>G (NM_001374729.1); short protein forms F3707L, F5835L, F3529L, F3203L, F3569L, F5826L.
Identifiers: ClinVar variation 1990653 (VCV001990653.4), dbSNP rs1205337518, ClinGen allele CA364508108.
Genomic context (GRCh38, chr6:56,529,565, plus strand): 5'-CTTGCTCAGTTTGTCATGCACTTCATTCAGCCAGTTCATCAGTTCAACTTCATCTTCCCC[A>C]AAAATCTTAGCATTACATAAGGCCTGCTGGAGGAGCTCAGACCTGCTGTGACTTTTCTCT-3'
Protein context (NP_001361665.1, residues 5816-5836): LQQALCNAKI[Phe5826Leu]GEDEVELMNW

ClinVar aggregate classification (germline): Uncertain significance (1 of 4 stars; one submission).

Conditions:
Epidermolysis bullosa simplex 3, localized or generalized intermediate, with BP230 deficiency (EBS3). Also called: Epidermolysis bullosa simplex, autosomal recessive 2; Epidermolysis bullosa simplex due to BP230 deficiency. Identifiers: Orphanet 412181, MedGen C3809470, MONDO:0014180, OMIM 615425.
Hereditary sensory and autonomic neuropathy type 6. Also called: Neuropathy, hereditary sensory and autonomic, type VI; HSAN VI. Identifiers: Orphanet 314381, MedGen C3539003, MONDO:0013839, OMIM 614653.

gnomAD v4.1: 1 of 1,613,714 alleles (0.000062%); highest among the groups gnomAD compares: Non-Finnish European, 0.000085%; no homozygotes.

Submission:

Labcorp Genetics (formerly Invitae), Labcorp
Classification: Uncertain significance for Epidermolysis bullosa simplex 3, localized or generalized intermediate, with BP230 deficiency; Hereditary sensory and autonomic neuropathy type 6. Last evaluated: 2022-07-05. Review status: criteria provided, single submitter. Criteria: Invitae Variant Classification Sherloc (09022015). Collection method: clinical testing. Allele origin: germline.
Comment: In summary, the available evidence is currently insufficient to determine the role of this variant in disease. Therefore, it has been classified as a Variant of Uncertain Significance. Experimental studies and prediction algorithms are not available or were not evaluated, and the functional significance of this variant is currently unknown. The DST gene has multiple clinically relevant transcripts. This variant occurs in alternate transcript NM_015548.4, and corresponds to NM_001723.5:c.*85952T>G in the primary transcript. This sequence change replaces phenylalanine, which is neutral and non-polar, with leucine, which is neutral and non-polar, at codon 3203 of the DST protein (p.Phe3203Leu). This variant is not present in population databases (gnomAD no frequency). This variant has not been reported in the literature in individuals affected with DST-related conditions.